The following is an entry in ClinVar:

NM_001128840.3(CACNA1D):c.227C>T (p.Pro76Leu)

Gene: CACNA1D (calcium voltage-gated channel subunit alpha1 D; plus strand). Cytogenetic location: 3p21.1.
Variant type: single nucleotide variant.
Coding change: c.227C>T on transcript NM_001128840.3 (MANE Select); coding-DNA position 227, C replaced by T.
Protein change: p.Pro76Leu; replaces proline 76 with leucine.
Molecular consequence: missense variant.
Genome position (GRCh38, 1-based): chr3:53,497,311, C>T. VCF-style: chr3-53497311-C-T. GRCh37 (hg19) VCF-style: chr3-53531338-C-T.
Other names: c.227C>T, p.Pro76Leu (NM_000720.4, NM_001128839.3); short protein forms P76L.
Identifiers: ClinVar variation 3642508 (VCV003642508.2).

ClinVar aggregate classification (germline): Uncertain significance (1 of 4 stars; one submission).

gnomAD v4.1: 5 of 1,614,146 alleles (0.00031%); highest among the groups gnomAD compares: Non-Finnish European, 0.00042%; no homozygotes.

Submission:

Labcorp Genetics (formerly Invitae), Labcorp
Classification: Uncertain significance. Last evaluated: 2024-06-13. Review status: criteria provided, single submitter. Criteria: Invitae Variant Classification Sherloc (09022015). Collection method: clinical testing. Allele origin: germline.
Comment: This sequence change replaces proline, which is neutral and non-polar, with leucine, which is neutral and non-polar, at codon 76 of the CACNA1D protein (p.Pro76Leu). This variant is not present in population databases (gnomAD no frequency). This variant has not been reported in the literature in individuals affected with CACNA1D-related conditions. An algorithm developed to predict the effect of missense changes on protein structure and function (PolyPhen-2) suggests that this variant is likely to be disruptive. In summary, the available evidence is currently insufficient to determine the role of this variant in disease. Therefore, it has been classified as a Variant of Uncertain Significance.